The following is an entry in ClinVar:

ClinVar aggregate classification (germline): Uncertain significance (1 of 4 stars; one submission).

Conditions:
PHF3-related disorder. Also called: PHF3-related condition.

Submission:

PreventionGenetics, part of Exact Sciences
Classification: Uncertain significance for PHF3-related condition. Last evaluated: 2023-06-06. Review status: criteria provided, single submitter. Criteria: ACMG Guidelines, 2015. Collection method: clinical testing. Allele origin: germline.
Comment: The PHF3 c.5095dupG variant is predicted to result in a frameshift and premature protein termination (p.Glu1699Glyfs*16). To our knowledge, this variant has not been reported in the literature or in a large population database, indicating this variant is rare. This variant is present in the last exon of PHF3, therefore the impact on protein function is unknown. At this time, the clinical significance of this variant is uncertain due to the absence of conclusive functional and genetic evidence.

NM_001370348.2(PHF3):c.5095dup (p.Glu1699fs)

Gene: PHF3 (PHD finger protein 3; plus strand). Cytogenetic location: 6q12.
Variant type: Duplication.
Coding change: c.5095dup on transcript NM_001370348.2 (MANE Select); coding-DNA position 5095, one base duplicated (G; older notation c.5095dupG).
Protein change: p.Glu1699fs; shifts the reading frame from glutamic acid 1699.
Molecular consequence: frameshift variant.
Genome position (GRCh38, 1-based): chr6:63,712,683, G duplicated; the last of 2 consecutive G bases (chr6:63,712,682-63,712,683); duplicating either gives the same sequence. VCF-style (leftmost placement, unchanged base first): chr6-63712681-A-AG. GRCh37 (hg19) VCF-style: chr6-64422577-A-AG.
Other names: c.4831dup, p.Glu1611fs (NM_001290259.2, NM_001370349.2); c.2902dup, p.Glu968fs (NM_001370350.2); c.5095dup, p.Glu1699fs (NM_015153.4); short protein forms E1611fs, E1699fs, E968fs.
Identifiers: ClinVar variation 2632731 (VCV002632731.1), dbSNP rs2533349052, ClinGen allele CA2695198244.